The following is an entry in ClinVar:

NM_001376.5(DYNC1H1):c.10832G>A (p.Arg3611Gln)

Gene: DYNC1H1 (dynein cytoplasmic 1 heavy chain 1; plus strand). Cytogenetic location: 14q32.31.
Variant type: single nucleotide variant.
Coding change: c.10832G>A on transcript NM_001376.5 (MANE Select); coding-DNA position 10832, G replaced by A.
Protein change: p.Arg3611Gln; replaces arginine 3611 with glutamine.
Molecular consequence: missense variant.
Genome position (GRCh38, 1-based): chr14:102,036,566, G>A. VCF-style: chr14-102036566-G-A. GRCh37 (hg19) VCF-style: chr14-102502903-G-A.
Other names: short protein forms R3611Q.
Identifiers: ClinVar variation 434999 (VCV000434999.15), dbSNP rs760957660, ClinGen allele CA7353488.

ClinVar aggregate classification (germline): Conflicting classifications of pathogenicity. Review status: criteria provided, conflicting classifications (1 of 4 stars). 4 submissions from 4 submitters: Uncertain significance (3); Likely benign (1). Last evaluated 2025-10-17.

Conditions:
Charcot-Marie-Tooth disease axonal type 2O. Also called: CHARCOT-MARIE-TOOTH NEUROPATHY, AXONAL, TYPE 2O; CHARCOT-MARIE-TOOTH DISEASE, AXONAL, AUTOSOMAL DOMINANT, TYPE 2O; Charcot-Marie-Tooth disease, axonal, type 20; Charcot-Marie-Tooth Neuropathy Type 2O. Identifiers: Orphanet 284232, MedGen C3280220, MONDO:0013644, OMIM 614228.
Inborn genetic diseases. Identifiers: MedGen C0950123, MeSH D030342.

Allele frequency attached by ClinVar (database versions not stated): gnomAD exomes below 0.00001 and 0.00001; ExAC 0.00001; gnomAD 0.00001.
gnomAD v4.1: 5 of 1,614,014 alleles (0.00031%); highest among the groups gnomAD compares: Non-Finnish European, 0.00042%; no homozygotes.

Submissions (4):

Labcorp Genetics (formerly Invitae), Labcorp
Classification: Likely benign for Charcot-Marie-Tooth disease axonal type 2O. Last evaluated: 2025-10-17. Review status: criteria provided, single submitter. Criteria: Invitae Variant Classification Sherloc (09022015). Collection method: clinical testing. Allele origin: germline.

GeneDx
Classification: Uncertain significance. Last evaluated: 2023-11-14. Review status: criteria provided, single submitter. Criteria: GeneDx Variant Classification Process June 2021. Collection method: clinical testing. Allele origin: germline. Affected: yes.
Comment: In silico analysis supports that this missense variant does not alter protein structure/function; Has not been previously published as pathogenic or benign to our knowledge; This variant is associated with the following publications: (PMID: 25512093, 25609763, 26100331)

Ambry Genetics
Classification: Uncertain significance for Inborn genetic diseases. Last evaluated: 2023-08-08. Review status: criteria provided, single submitter. Criteria: Ambry Variant Classification Scheme 2023. Collection method: clinical testing. Allele origin: germline.

Genetic Services Laboratory, University of Chicago
Classification: Uncertain significance. Last evaluated: 2017-03-20. Review status: criteria provided, single submitter. Criteria: ACMG Guidelines, 2015. Collection method: clinical testing. Allele origin: germline. Affected: no.